The following is an entry in ClinVar:

NM_001130438.3(SPTAN1):c.7171G>A (p.Val2391Ile)

Gene: SPTAN1 (spectrin alpha, non-erythrocytic 1; plus strand). Cytogenetic location: 9q34.11.
Variant type: single nucleotide variant.
Coding change: c.7171G>A on transcript NM_001130438.3 (MANE Select); coding-DNA position 7171, G replaced by A.
Protein change: p.Val2391Ile; replaces valine 2391 with isoleucine.
Molecular consequence: missense variant.
Genome position (GRCh38, 1-based): chr9:128,632,818, G>A. VCF-style: chr9-128632818-G-A. GRCh37 (hg19) VCF-style: chr9-131395097-G-A.
Other names: c.7096G>A, p.Val2366Ile (NM_001195532.2); c.7234G>A, p.Val2412Ile (NM_001363759.2); c.7111G>A, p.Val2371Ile (NM_001363765.2, NM_001375314.2); c.7258G>A, p.Val2420Ile (NM_001375310.1); c.7171G>A, p.Val2391Ile (NM_001375311.2); c.7207G>A, p.Val2403Ile (NM_001375312.2); c.7153G>A, p.Val2385Ile (NM_001375313.1); c.7270G>A, p.Val2424Ile (NM_001375318.1); and 1 more; short protein forms V2366I, V2371I, V2385I, V2386I, V2391I, V2403I, V2412I, V2420I.
Identifiers: ClinVar variation 3373293 (VCV003373293.1).

ClinVar aggregate classification (germline): Uncertain significance (1 of 4 stars; one submission).

gnomAD v4.1: 1 of 1,613,998 alleles (0.000062%); highest among the groups gnomAD compares: Non-Finnish European, 0.000085%; no homozygotes.

Submission:

GeneDx
Classification: Uncertain significance. Last evaluated: 2024-05-01. Review status: criteria provided, single submitter. Criteria: GeneDx Variant Classification Process June 2021. Collection method: clinical testing. Allele origin: germline. Affected: yes.
Comment: In silico analysis indicates that this missense variant does not alter protein structure/function; Has not been previously published as pathogenic or benign to our knowledge